The following is an entry in ClinVar:

ClinVar aggregate classification (germline): Uncertain significance. Review status: reviewed by expert panel (3 of 4 stars). 3 submissions from 3 submitters: Uncertain significance (1). 2 of the submissions do not count toward it. Last evaluated 2024-09-30.

Conditions:
Acute myeloid leukemia (AML). Also called: Acute myeloid leukemia, adult; AML adult; Acute non-lymphocytic leukemia; Acute granulocytic leukemia; Leukemia, acute myelogenous, somatic; Leukemia, acute myeloid, somatic. Identifiers: Orphanet 519, MedGen C0023467, MeSH D015470, MONDO:0018874, OMIM 601626, HP:0004808. Disease mechanism: Constitutively activated FLT3.
Inborn genetic diseases. Identifiers: MedGen C0950123, MeSH D030342.
Hereditary thrombocytopenia and hematologic cancer predisposition syndrome. Identifiers: Orphanet 71290, MedGen CN281654, MONDO:0011071.

gnomAD v4.1: 1 of 1,543,336 alleles (0.000065%); highest among the groups gnomAD compares: East Asian, 0.0024%; no homozygotes.

Submissions (3):

ClinGen Myeloid Malignancy Variant Curation Expert Panel
Classification: Uncertain significance for Hereditary thrombocytopenia and hematologic cancer predisposition syndrome. Last evaluated: 2024-09-30. Review status: reviewed by expert panel. Criteria: ClinGen MyeloMalig ACMG Specifications v2. Collection method: curation. Allele origin: germline. Inheritance: Autosomal dominant inheritance.
Comment: NM_001754.5(RUNX1):c.1277C>G (p.Pro426Arg) is a missense variant which has a REVEL score < 0.50 (0.254), and a SpliceAI score ≤ 0.20 (0.0) (BP4). This variant is completely absent from all population databases with at least 20x coverage for RUNX1 (PM2_Supporting). In summary, the clinical significance of this variant is uncertain. ACMG/AMP criteria applied, as specified by the Myeloid Malignancy Variant Curation Expert Panel for RUNX1: BP4, PM2_supporting.

Ambry Genetics
Classification: Uncertain significance for Inborn genetic diseases. Last evaluated: 2025-08-30. Review status: criteria provided, single submitter. Criteria: Ambry Variant Classification Scheme 2023. Collection method: clinical testing. Allele origin: germline. Not counted in ClinVar's aggregate classification.
Comment: The p.P426R variant (also known as c.1277C>G), located in coding exon 8 of the RUNX1 gene, results from a C to G substitution at nucleotide position 1277. The proline at codon 426 is replaced by arginine, an amino acid with dissimilar properties. This amino acid position is conserved. In addition, this alteration is predicted to be tolerated by in silico analysis. Based on the available evidence, the clinical significance of this variant remains unclear.

Baylor Genetics
Classification: Uncertain significance for Acute myeloid leukemia. Last evaluated: 2023-07-29. Review status: criteria provided, single submitter. Criteria: ACMG Guidelines, 2015. Collection method: clinical testing. Allele origin: unknown. Not counted in ClinVar's aggregate classification.

NM_001754.5(RUNX1):c.1277C>G (p.Pro426Arg)

Gene: RUNX1 (RUNX family transcription factor 1; minus strand). Cytogenetic location: 21q22.12.
Variant type: single nucleotide variant.
Coding change: c.1277C>G on transcript NM_001754.5 (MANE Select); coding-DNA position 1277, C replaced by G.
Protein change: p.Pro426Arg; replaces proline 426 with arginine.
Molecular consequence: missense variant.
Genome position (GRCh38, 1-based): chr21:34,792,301, G>C on the plus strand (C>G on the coding strand, the complement: RUNX1 is on the minus strand). VCF-style: chr21-34792301-G-C. GRCh37 (hg19) VCF-style: chr21-36164598-G-C.
Other names: NM_001754.5(RUNX1):c.1277C>G; p.Pro426Arg; c.1196C>G, p.Pro399Arg (NM_001001890.3); short protein forms P399R, P426R.
Identifiers: ClinVar variation 2678496 (VCV002678496.3), dbSNP rs1199937558, ClinGen allele CA410147531.